The following is an entry in ClinVar:

NM_182476.3(COQ6):c.41C>T (p.Ala14Val)

Gene: COQ6 (coenzyme Q6, monooxygenase; plus strand). Cytogenetic location: 14q24.3.
Variant type: single nucleotide variant.
Coding change: c.41C>T on transcript NM_182476.3 (MANE Select); coding-DNA position 41, C replaced by T.
Protein change: p.Ala14Val; replaces alanine 14 with valine.
Molecular consequence: missense variant. On other transcripts: 5 prime UTR variant (5), intron variant (4).
Genome position (GRCh38, 1-based): chr14:73,950,373, C>T. VCF-style: chr14-73950373-C-T. GRCh37 (hg19) VCF-style: chr14-74417076-C-T.
Other names: c.41C>T, p.Ala14Val (NM_001425255.1, NM_001425256.1, NM_001425262.1); c.-66C>T (NM_001425257.1); c.-228C>T (NM_001425260.1); c.-389C>T (NM_001425263.1); c.-310C>T (NM_001425264.1); c.-369C>T (NM_001425265.1); c.88+193C>T (NM_001425258.1, NM_182480.3); c.-4+193C>T (NM_001425259.1, NM_001425261.1); short protein forms A14V.
Identifiers: ClinVar variation 1716062 (VCV001716062.5), dbSNP rs554880017, ClinGen allele CA390372986.

ClinVar aggregate classification (germline): Uncertain significance (1 of 4 stars; one submission).

gnomAD v4.1: 2 of 1,563,962 alleles (0.00013%); highest among the groups gnomAD compares: Non-Finnish European, 0.000086%; no homozygotes.

Submission:

Labcorp Genetics (formerly Invitae), Labcorp
Classification: Uncertain significance. Last evaluated: 2024-10-18. Review status: criteria provided, single submitter. Criteria: Invitae Variant Classification Sherloc (09022015). Collection method: clinical testing. Allele origin: germline.
Comment: This sequence change replaces alanine, which is neutral and non-polar, with valine, which is neutral and non-polar, at codon 14 of the COQ6 protein (p.Ala14Val). This variant is not present in population databases (gnomAD no frequency). This variant has not been reported in the literature in individuals affected with COQ6-related conditions. ClinVar contains an entry for this variant (Variation ID: 1716062). An algorithm developed to predict the effect of missense changes on protein structure and function outputs the following: PolyPhen-2: "Benign". The valine amino acid residue is found in multiple mammalian species, which suggests that this missense change does not adversely affect protein function. In summary, the available evidence is currently insufficient to determine the role of this variant in disease. Therefore, it has been classified as a Variant of Uncertain Significance.